The following is an entry in ClinVar:

ClinVar aggregate classification (germline): Uncertain significance. Review status: criteria provided, multiple submitters, no conflicts (2 of 4 stars). 3 submissions from 3 submitters: Uncertain significance (3). Last evaluated 2026-04-01.

Conditions:
Cardiovascular phenotype. Identifiers: MedGen CN230736.

Allele frequency attached by ClinVar (database versions not stated): gnomAD 0.00001; gnomAD exomes 0.00001; TOPMed 0.00001.
gnomAD v4.1: 10 of 1,550,292 alleles (0.00065%); highest among the groups gnomAD compares: Non-Finnish European, 0.00078%; no homozygotes.

Submissions (3):

CeGaT Center for Human Genetics Tuebingen
Classification: Uncertain significance. Last evaluated: 2026-04-01. Review status: criteria provided, single submitter. Criteria: CeGaT Center For Human Genetics Tuebingen Variant Classification Criteria Version 2. Collection method: clinical testing. Allele origin: germline. Affected: yes. Observed: 1 variant allele.
Comment: ZNF469: PM2, BP4

Ambry Genetics
Classification: Uncertain significance for Cardiovascular phenotype. Last evaluated: 2024-10-24. Review status: criteria provided, single submitter. Criteria: Ambry Variant Classification Scheme 2023. Collection method: clinical testing. Allele origin: germline.

Labcorp Genetics (formerly Invitae), Labcorp
Classification: Uncertain significance. Last evaluated: 2022-06-27. Review status: criteria provided, single submitter. Criteria: Invitae Variant Classification Sherloc (09022015). Collection method: clinical testing. Allele origin: germline.
Comment: This sequence change replaces glutamic acid, which is acidic and polar, with lysine, which is basic and polar, at codon 1199 of the ZNF469 protein (p.Glu1199Lys). This variant is present in population databases (no rsID available, gnomAD 0.002%). This variant has not been reported in the literature in individuals affected with ZNF469-related conditions. Algorithms developed to predict the effect of missense changes on protein structure and function output the following: SIFT: "Tolerated"; PolyPhen-2: "Benign"; Align-GVGD: "Class C0". The lysine amino acid residue is found in multiple mammalian species, which suggests that this missense change does not adversely affect protein function. In summary, the available evidence is currently insufficient to determine the role of this variant in disease. Therefore, it has been classified as a Variant of Uncertain Significance.

NM_001367624.2(ZNF469):c.3679G>A (p.Glu1227Lys)

Gene: ZNF469 (zinc finger protein 469; plus strand). Cytogenetic location: 16q24.2.
Variant type: single nucleotide variant.
Coding change: c.3679G>A on transcript NM_001367624.2 (MANE Select); coding-DNA position 3679, G replaced by A.
Protein change: p.Glu1227Lys; replaces glutamic acid 1227 with lysine.
Molecular consequence: missense variant.
Genome position (GRCh38, 1-based): chr16:88,431,149, G>A. VCF-style: chr16-88431149-G-A. GRCh37 (hg19) VCF-style: chr16-88497557-G-A.
Other names: NM_001127464.1:c.3595G>A; short protein forms E1227K.
Identifiers: ClinVar variation 1407601 (VCV001407601.8), dbSNP rs1018409287, ClinGen allele CA286375156.
Genomic context (GRCh38, chr16:88,431,149, plus strand): 5'-ACCAACACCGAGACCTCAGAGGAAACCCGCCCGTCGCTGGACTTTCCCCAGGAGGCCAAG[G>A]AGCCTGAAACTGCCGAAGAGTCAGCCCCGGACAGCACAGAATTCACAGAGGCTTTGCGTT-3'
Protein context (NP_001354553.1, residues 1217-1237): PSLDFPQEAK[Glu1227Lys]PETAEESAPD